The following is an entry in ClinVar:

NM_006767.4(LZTR1):c.20_21insT (p.Gln10fs)

Genes: LZTR1 (leucine zipper like post translational regulator 1; plus strand), LOC130067016 (ATAC-STARR-seq lymphoblastoid silent region 13504; plus strand). Cytogenetic location: 22q11.21.
Variant type: Insertion.
Coding change: c.20_21insT on transcript NM_006767.4 (MANE Select); coding-DNA positions 20 to 21, T inserted.
Protein change: p.Gln10fs; shifts the reading frame from glutamine 10.
Molecular consequence: frameshift variant.
Genome position: GRCh38 VCF-style: chr22-20982391-C-CT. GRCh37 (hg19) VCF-style: chr22-21336680-C-CT.
Other names: c.20_21insT (NM_006767.3); short protein forms Q10fs.
Identifiers: ClinVar variation 4732676 (VCV004732676.2).
Genomic context (GRCh38, chr22:20,982,391, plus strand): 5'-AAGTTGGGCTTACAGCGCGGCCGATCCGGCGTGGACCCGGGATGGCTGGACCGGGCAGCA[C>CT]GGGGGGGCAGATCGGGGCTGCGGCCCTGGCAGGCGGCGCGCGGTCCAAGGTAGCCCCGAG-3'

ClinVar aggregate classification (germline): Pathogenic. Review status: criteria provided, multiple submitters, no conflicts (2 of 4 stars). 2 submissions from 2 submitters: Pathogenic (2). Last evaluated 2026-06-04.

Conditions:
Cardiovascular phenotype. Identifiers: MedGen CN230736.
Hereditary cancer-predisposing syndrome. Also called: Neoplastic Syndromes, Hereditary; Tumor predisposition; Hereditary Cancer Syndrome; Hereditary neoplastic syndrome. Identifiers: Orphanet 140162, MedGen C0027672, MeSH D009386, MONDO:0015356.

Submissions (2):

Ambry Genetics
Classification: Pathogenic for Cardiovascular phenotype; Hereditary cancer-predisposing syndrome. Last evaluated: 2026-06-04. Review status: criteria provided, single submitter. Criteria: Ambry Variant Classification Scheme 2023. Collection method: clinical testing. Allele origin: germline.
Comment: The c.20_21insT pathogenic mutation, located in coding exon 1 of the LZTR1 gene, results from an insertion of one nucleotide at position 20, causing a translational frameshift with a predicted alternate stop codon (p.Q10Afs*24). This variant is considered to be rare based on population cohorts in the Genome Aggregation Database (gnomAD). Loss-of-function variants in LZTR1 are related to an increased risk for schwannomas and autosomal recessive Noonan syndrome; however, such associations with autosomal dominant Noonan syndrome have not been observed (Piotrowski A et al. Nat Genet. 2014 Feb;46:182-7; Yamamoto GL et al. J Med Genet. 2015 Jun;52:413-21; Johnston JJ et al. Genet Med. 2018 10;20:1175-1185). Based on the supporting evidence, this variant is pathogenic for an increased risk of LZTR1-related schwannomatosis (SWN) and would be expected to cause autosomal recessive Noonan syndrome when present along with a second pathogenic or likely pathogenic variant on the other allele; however, the association of this variant with autosomal dominant Noonan syndrome is unlikely.

Labcorp Genetics (formerly Invitae), Labcorp
Classification: Pathogenic. Last evaluated: 2025-12-08. Review status: criteria provided, single submitter. Criteria: Invitae Variant Classification Sherloc (09022015). Collection method: clinical testing. Allele origin: germline.
Comment: This sequence change creates a premature translational stop signal (p.Gln10Alafs*24) in the LZTR1 gene. It is expected to result in an absent or disrupted protein product. Loss-of-function variants in LZTR1 are known to be pathogenic (PMID: 24362817, 25335493, 25480913, 25795793, 29469822, 30368668, 30442762, 30442766, 30481304, 30859559). This variant is not present in population databases (gnomAD no frequency). This variant has not been reported in the literature in individuals affected with LZTR1-related conditions. For these reasons, this variant has been classified as Pathogenic.

Literature cited by the submitters: PubMed 24362817 (cited by Labcorp Genetics (formerly Invitae), Labcorp); PubMed 25335493 (cited by Labcorp Genetics (formerly Invitae), Labcorp); PubMed 25480913 (cited by Labcorp Genetics (formerly Invitae), Labcorp); PubMed 25795793 (cited by Labcorp Genetics (formerly Invitae), Labcorp); PubMed 29469822 (cited by Labcorp Genetics (formerly Invitae), Labcorp); PubMed 30368668 (cited by Labcorp Genetics (formerly Invitae), Labcorp); PubMed 30442762 (cited by Labcorp Genetics (formerly Invitae), Labcorp); PubMed 30442766 (cited by Labcorp Genetics (formerly Invitae), Labcorp); PubMed 30481304 (cited by Labcorp Genetics (formerly Invitae), Labcorp); PubMed 30859559 (cited by Labcorp Genetics (formerly Invitae), Labcorp).